The following is an entry in ClinVar:

ClinVar aggregate classification (germline): Pathogenic (1 of 4 stars; one submission).

Submission:

Labcorp Genetics (formerly Invitae), Labcorp
Classification: Pathogenic. Last evaluated: 2022-11-17. Review status: criteria provided, single submitter. Criteria: Invitae Variant Classification Sherloc (09022015). Collection method: clinical testing. Allele origin: germline.
Comment: This sequence change creates a premature translational stop signal (p.Tyr297*) in the PHEX gene. It is expected to result in an absent or disrupted protein product. Loss-of-function variants in PHEX are known to be pathogenic (PMID: 9097956, 9106524, 19219621). This variant is not present in population databases (gnomAD no frequency). This variant has not been reported in the literature in individuals affected with PHEX-related conditions. ClinVar contains an entry for this variant (Variation ID: 1075121). For these reasons, this variant has been classified as Pathogenic.

Literature cited by the submitters: PubMed 9097956; PubMed 9106524; PubMed 19219621.

NM_000444.6(PHEX):c.891C>G (p.Tyr297Ter)

Gene: PHEX (phosphate regulating endopeptidase X-linked; plus strand). Cytogenetic location: Xp22.11.
Variant type: single nucleotide variant.
Coding change: c.891C>G on transcript NM_000444.6 (MANE Select); coding-DNA position 891, C replaced by G.
Protein change: p.Tyr297Ter; replaces tyrosine 297 with a stop codon.
Molecular consequence: nonsense.
Genome position (GRCh38, 1-based): chrX:22,096,996, C>G. VCF-style: chrX-22096996-C-G. GRCh37 (hg19) VCF-style: chrX-22115114-C-G.
Other names: c.891C>G, p.Tyr297Ter (NM_001282754.2); short protein forms Y297*.
Identifiers: ClinVar variation 1075121 (VCV001075121.7), dbSNP rs2147043669, ClinGen allele CA412572623.
Genomic context (GRCh38, chrX:22,096,996, plus strand): 5'-AAAAATCTCTTTTCAACAGATAATGATTCCACATGAAAACCGAACCAGCGAGGCCATGTA[C>G]AACAAAATGAACATTTCTGAACTGAGTGCTATGATTCCCCAGGTTGGTGAAAACTATCCA-3'